The following is an entry in ClinVar:

ClinVar aggregate classification (germline): Likely benign. Review status: criteria provided, single submitter (1 of 4 stars). 3 submissions from 3 submitters: Likely benign (1). 2 of the submissions do not count toward it. Last evaluated 2025-06-15.

Conditions:
NEB-related disorder. Also called: NEB-related condition; NEB-Related Disorders.
Nemaline myopathy 2 (NEM2). Also called: Nemaline myopathy 2, autosomal recessive. Identifiers: MedGen C1850569, MONDO:0009725, OMIM 256030.

Allele frequency attached by ClinVar (database versions not stated): ExAC 0.00001; gnomAD exomes 0.00002 and 0.00006; gnomAD 0.00003; TOPMed 0.00004; ESP Exome Variant Server 0.00008.
gnomAD v4.1: 93 of 1,612,848 alleles (0.0058%); highest among the groups gnomAD compares: Non-Finnish European, 0.0075%; no homozygotes.

Submissions (3):

Labcorp Genetics (formerly Invitae), Labcorp
Classification: Likely benign for Nemaline myopathy 2. Last evaluated: 2025-06-15. Review status: criteria provided, single submitter. Criteria: Invitae Variant Classification Sherloc (09022015). Collection method: clinical testing. Allele origin: germline.

Natera, Inc.
Classification: Uncertain significance for Nemaline myopathy type 2. Last evaluated: 2020-03-11. Review status: no assertion criteria provided. Collection method: clinical testing. Allele origin: germline. Not counted in ClinVar's aggregate classification.

PreventionGenetics, part of Exact Sciences
Classification: Likely benign for NEB-related condition. Last evaluated: 2019-03-13. Review status: no assertion criteria provided. Collection method: clinical testing. Allele origin: germline. Not counted in ClinVar's aggregate classification.
Comment: This variant is classified as likely benign based on ACMG/AMP sequence variant interpretation guidelines (Richards et al. 2015 PMID: 25741868, with internal and published modifications).

NM_001164508.2(NEB):c.3246G>A (p.Ala1082=)

Gene: NEB (nebulin; minus strand). Cytogenetic location: 2q23.3.
Variant type: single nucleotide variant.
Coding change: c.3246G>A on transcript NM_001164508.2 (MANE Select); coding-DNA position 3246, G replaced by A.
Protein change: p.Ala1082=; no amino-acid change (alanine 1082 retained).
Molecular consequence: synonymous variant.
Genome position (GRCh38, 1-based): chr2:151,679,730, C>T on the plus strand (G>A on the coding strand, the complement: NEB is on the minus strand). VCF-style: chr2-151679730-C-T. GRCh37 (hg19) VCF-style: chr2-152536244-C-T.
Other names: c.3246G>A, p.Ala1082= (NM_001164507.2, NM_001271208.2, NM_004543.5).
Identifiers: ClinVar variation 712929 (VCV000712929.14), dbSNP rs372664114, ClinGen allele CA1910965.